The following is an entry in ClinVar:

NM_002661.5(PLCG2):c.3245G>T (p.Cys1082Phe)

Gene: PLCG2 (phospholipase C gamma 2; plus strand). Cytogenetic location: 16q23.3.
Variant type: single nucleotide variant.
Coding change: c.3245G>T on transcript NM_002661.5 (MANE Select); coding-DNA position 3245, G replaced by T.
Protein change: p.Cys1082Phe; replaces cysteine 1082 with phenylalanine.
Molecular consequence: missense variant.
Genome position (GRCh38, 1-based): chr16:81,938,847, G>T. VCF-style: chr16-81938847-G-T. GRCh37 (hg19) VCF-style: chr16-81972452-G-T.
Other names: c.3245G>T, p.Cys1082Phe (NM_001425749.1, NM_001425750.1, NM_001425751.1); short protein forms C1082F.
Identifiers: ClinVar variation 2839013 (VCV002839013.3), dbSNP rs1474179534, ClinGen allele CA396907447.
Genomic context (GRCh38, chr16:81,938,847, plus strand): 5'-CTTTGGTGTCCCAGGTTCTCGGTGCTCGCCATCTCCCCAAACTTGGACGAAGTATTGCCT[G>T]TCCCTTTGTAGAAGTGGAGATCTGTGGAGCCGAGTATGACAACAACAAGTTCAAGACGAC-3'
Protein context (NP_002652.2, residues 1072-1092): HLPKLGRSIA[Cys1082Phe]PFVEVEICGA

ClinVar aggregate classification (germline): Uncertain significance (1 of 4 stars; one submission).

Conditions:
Familial cold autoinflammatory syndrome 3 (FCAS3). Also called: FAMILIAL ATYPICAL COLD URTICARIA; ANTIBODY DEFICIENCY AND IMMUNE DYSREGULATION, PLCG2-ASSOCIATED. Identifiers: Orphanet 300359, MedGen C3280914, MONDO:0013766, OMIM 614468.

Submission:

Labcorp Genetics (formerly Invitae), Labcorp
Classification: Uncertain significance for Familial cold autoinflammatory syndrome 3. Last evaluated: 2023-02-19. Review status: criteria provided, single submitter. Criteria: Invitae Variant Classification Sherloc (09022015). Collection method: clinical testing. Allele origin: germline.
Comment: Algorithms developed to predict the effect of sequence changes on RNA splicing suggest that this variant may create or strengthen a splice site. This sequence change replaces cysteine, which is neutral and slightly polar, with phenylalanine, which is neutral and non-polar, at codon 1082 of the PLCG2 protein (p.Cys1082Phe). This variant is not present in population databases (gnomAD no frequency). This variant has not been reported in the literature in individuals affected with PLCG2-related conditions. An algorithm developed to predict the effect of missense changes on protein structure and function (PolyPhen-2) suggests that this variant is likely to be disruptive. In summary, the available evidence is currently insufficient to determine the role of this variant in disease. Therefore, it has been classified as a Variant of Uncertain Significance.